The following is an entry in ClinVar:

NM_005431.2(XRCC2):c.568G>C (p.Val190Leu)

Gene: XRCC2 (X-ray repair cross complementing 2; minus strand). Cytogenetic location: 7q36.1.
Variant type: single nucleotide variant.
Coding change: c.568G>C on transcript NM_005431.2 (MANE Select); coding-DNA position 568, G replaced by C.
Protein change: p.Val190Leu; replaces valine 190 with leucine.
Molecular consequence: missense variant.
Genome position (GRCh38, 1-based): chr7:152,648,917, C>G on the plus strand (G>C on the coding strand, the complement: XRCC2 is on the minus strand). VCF-style: chr7-152648917-C-G. GRCh37 (hg19) VCF-style: chr7-152346002-C-G.
Other names: short protein forms V190L.
Identifiers: ClinVar variation 4558489 (VCV004558489.1).

ClinVar aggregate classification (germline): Uncertain significance (1 of 4 stars; one submission).

Conditions:
Hereditary cancer-predisposing syndrome. Also called: Tumor predisposition; Hereditary Cancer Syndrome; Hereditary neoplastic syndrome; Neoplastic Syndromes, Hereditary. Identifiers: Orphanet 140162, MedGen C0027672, MeSH D009386, MONDO:0015356.

Submission:

Ambry Genetics
Classification: Uncertain significance for Hereditary cancer-predisposing syndrome. Last evaluated: 2025-10-16. Review status: criteria provided, single submitter. Criteria: Ambry Variant Classification Scheme 2023. Collection method: clinical testing. Allele origin: germline.
Comment: The p.V190L variant (also known as c.568G>C), located in coding exon 3 of the XRCC2 gene, results from a G to C substitution at nucleotide position 568. The valine at codon 190 is replaced by leucine, an amino acid with highly similar properties. This amino acid position is conserved. In addition, this alteration is predicted to be tolerated by in silico analysis. Based on the available evidence, the clinical significance of this variant remains unclear.